The following is an entry in ClinVar:

NM_000069.3(CACNA1S):c.5559C>T (p.Ser1853=)

Gene: CACNA1S (calcium voltage-gated channel subunit alpha1 S; minus strand). Cytogenetic location: 1q32.1.
Variant type: single nucleotide variant.
Coding change: c.5559C>T on transcript NM_000069.3 (MANE Select); coding-DNA position 5559, C replaced by T.
Protein change: p.Ser1853=; no amino-acid change (serine 1853 retained).
Molecular consequence: synonymous variant.
Genome position (GRCh38, 1-based): chr1:201,039,894, G>A on the plus strand (C>T on the coding strand, the complement: CACNA1S is on the minus strand). VCF-style: chr1-201039894-G-A. GRCh37 (hg19) VCF-style: chr1-201009022-G-A.
Identifiers: ClinVar variation 3071958 (VCV003071958.1), dbSNP rs1258648349, ClinGen allele CA422814910.

ClinVar aggregate classification (germline): Uncertain significance (1 of 4 stars; one submission).

Conditions:
Malignant hyperthermia, susceptibility to, 5 (MHS5). Also called: CACNA1S-Related Malignant Hyperthermia Susceptibility. Identifiers: Orphanet 423, MedGen C1866077, MONDO:0011163, OMIM 601887.

Allele frequency attached by ClinVar (database versions not stated): TOPMed below 0.00001; gnomAD 0.00001.
gnomAD v4.1: 1 of 1,613,046 alleles (0.000062%); highest among the groups gnomAD compares: Non-Finnish European, 0.000085%; no homozygotes.

Submission:

All of Us Research Program, National Institutes of Health
Classification: Uncertain significance for Malignant hyperthermia, susceptibility to, 5. Last evaluated: 2023-10-02. Review status: criteria provided, single submitter. Criteria: ACMG Guidelines, 2015. Collection method: clinical testing. Allele origin: germline. Inheritance: Autosomal dominant inheritance. Observed: 2 variant alleles, 2 heterozygotes.
Comment: This variant is located in the CACNA1S protein. To our knowledge, functional studies have not been reported for this variant. This variant has not been reported in individuals affected with CACNA1S-related disorders in the literature. This variant has not been identified in the general population by the Genome Aggregation Database (gnomAD). The available evidence is insufficient to determine the role of this variant in disease conclusively. Therefore, this variant is classified as a Variant of Uncertain Significance.

This study involves interpretation of variants in research participants for the purpose of population health screening. Participant phenotype was not available at the time of variant classification. Additional details can be found in publication PMID: 35346344, PMCID: PMC8962531